The following is an entry in ClinVar:

ClinVar aggregate classification (germline): Uncertain significance (1 of 4 stars; one submission).

Submission:

Labcorp Genetics (formerly Invitae), Labcorp
Classification: Uncertain significance. Last evaluated: 2024-12-08. Review status: criteria provided, single submitter. Criteria: Invitae Variant Classification Sherloc (09022015). Collection method: clinical testing. Allele origin: germline.
Comment: This sequence change falls in intron 13 of the TOP1MT gene. It does not directly change the encoded amino acid sequence of the TOP1MT protein. It affects a nucleotide within the consensus splice site. This variant is not present in population databases (gnomAD no frequency). This variant has not been reported in the literature in individuals affected with TOP1MT-related conditions. Variants that disrupt the consensus splice site are a relatively common cause of aberrant splicing (PMID: 17576681, 9536098). Algorithms developed to predict the effect of sequence changes on RNA splicing suggest that this variant may disrupt the consensus splice site. In summary, the available evidence is currently insufficient to determine the role of this variant in disease. Therefore, it has been classified as a Variant of Uncertain Significance.

Literature cited by the submitters: PubMed 17576681; PubMed 9536098.

NM_052963.3(TOP1MT):c.1703+5G>T

Gene: TOP1MT (DNA topoisomerase I mitochondrial; minus strand). Cytogenetic location: 8q24.3.
Variant type: single nucleotide variant.
Coding change: c.1703+5G>T on transcript NM_052963.3 (MANE Select); 5 bases into the intron after coding-DNA position 1703, G replaced by T.
Molecular consequence: intron variant.
Genome position (GRCh38, 1-based): chr8:143,310,063, C>A on the plus strand (G>T on the coding strand, the complement: TOP1MT is on the minus strand). VCF-style: chr8-143310063-C-A. GRCh37 (hg19) VCF-style: chr8-144392233-C-A.
Other names: c.1409+5G>T (NM_001258447.1, NM_001258446.1).
Identifiers: ClinVar variation 3609143 (VCV003609143.2).